The following is an entry in ClinVar:

NM_024408.4(NOTCH2):c.4511+7G>T

Gene: NOTCH2 (notch receptor 2; minus strand). Cytogenetic location: 1p12.
Variant type: single nucleotide variant.
Coding change: c.4511+7G>T on transcript NM_024408.4 (MANE Select); 7 bases into the intron after coding-DNA position 4511, G replaced by T.
Molecular consequence: intron variant.
Genome position (GRCh38, 1-based): chr1:119,925,298, C>A on the plus strand (G>T on the coding strand, the complement: NOTCH2 is on the minus strand). VCF-style: chr1-119925298-C-A. GRCh37 (hg19) VCF-style: chr1-120467921-C-A.
Other names: c.4511+7G>T (NM_024408.3).
Identifiers: ClinVar variation 1651838 (VCV001651838.10), dbSNP rs778914409, ClinGen allele CA1039854.

ClinVar aggregate classification (germline): Conflicting classifications of pathogenicity. Review status: criteria provided, conflicting classifications (1 of 4 stars). 3 submissions from 3 submitters: Uncertain significance (1); Likely benign (2). Last evaluated 2026-01-22.

Conditions:
Alagille syndrome due to a NOTCH2 point mutation. Also called: Alagille syndrome 2. Identifiers: Orphanet 261629, Orphanet 52, MedGen C1857761, MONDO:0012439, OMIM 610205.
Hajdu-Cheney syndrome (HJCYS). Also called: SERPENTINE FIBULA-POLYCYSTIC KIDNEY SYNDROME; Acroosteolysis dominant type; ACROOSTEOLYSIS WITH OSTEOPOROSIS AND CHANGES IN SKULL AND MANDIBLE. Identifiers: Orphanet 955, MedGen C0917715, MONDO:0007057, OMIM 102500.
NOTCH2-related disorder. Also called: NOTCH2-related condition.

Allele frequency attached by ClinVar (database versions not stated): gnomAD 0.00001; TOPMed 0.00001; gnomAD exomes 0.00003 and 0.00006; ExAC 0.00004.
gnomAD v4.1: 16 of 1,613,242 alleles (0.00099%); highest among the groups gnomAD compares: Admixed American, 0.027%; no homozygotes.

Submissions (3):

Labcorp Genetics (formerly Invitae), Labcorp
Classification: Likely benign for Hajdu-Cheney syndrome. Last evaluated: 2026-01-22. Review status: criteria provided, single submitter. Criteria: Invitae Variant Classification Sherloc (09022015). Collection method: clinical testing. Allele origin: germline.

PreventionGenetics, part of Exact Sciences
Classification: Likely benign for NOTCH2-related condition. Last evaluated: 2025-07-22. Review status: criteria provided, single submitter. Criteria: ACMG Guidelines, 2015. Collection method: clinical testing. Allele origin: germline.
Comment: This variant is classified as likely benign based on ACMG/AMP sequence variant interpretation guidelines (Richards et al. 2015 PMID: 25741868, with internal and published modifications).

Fulgent Genetics
Classification: Uncertain significance for Hajdu-Cheney syndrome; Alagille syndrome due to a NOTCH2 point mutation. Last evaluated: 2024-04-23. Review status: criteria provided, single submitter. Criteria: ACMG Guidelines, 2015. Collection method: clinical testing. Allele origin: germline.